The following is an entry in ClinVar:

NM_001348800.3(ZBTB20):c.1365C>G (p.Ser455Arg)

Gene: ZBTB20 (zinc finger and BTB domain containing 20; minus strand). Cytogenetic location: 3q13.31.
Variant type: single nucleotide variant.
Coding change: c.1365C>G on transcript NM_001348800.3 (MANE Select); coding-DNA position 1365, C replaced by G.
Protein change: p.Ser455Arg; replaces serine 455 with arginine.
Molecular consequence: missense variant.
Genome position (GRCh38, 1-based): chr3:114,350,713, G>C on the plus strand (C>G on the coding strand, the complement: ZBTB20 is on the minus strand). VCF-style: chr3-114350713-G-C. GRCh37 (hg19) VCF-style: chr3-114069560-G-C.
Other names: c.1365C>G, p.Ser455Arg (NM_001164342.2, NM_001348803.3, NM_001393393.1 and 1 more transcripts); c.1146C>G, p.Ser382Arg (NM_001164343.2, NM_001164344.4, NM_001164345.4 and 9 more transcripts); short protein forms S455R, S382R.
Identifiers: ClinVar variation 3472128 (VCV003472128.2).

ClinVar aggregate classification (germline): Conflicting classifications of pathogenicity. Review status: criteria provided, conflicting classifications (1 of 4 stars). 2 submissions from 2 submitters: Uncertain significance (1); Likely benign (1). Last evaluated 2026-03-17.

Conditions:
Inborn genetic diseases. Identifiers: MedGen C0950123, MeSH D030342.

gnomAD v4.1: 52 of 1,614,200 alleles (0.0032%); highest among the groups gnomAD compares: South Asian, 0.046%; no homozygotes.

Submissions (2):

Women's Health and Genetics/Laboratory Corporation of America, LabCorp
Classification: Uncertain significance. Last evaluated: 2026-03-17. Review status: criteria provided, single submitter. Criteria: LabCorp Variant Classification Summary - May 2015. Collection method: clinical testing. Allele origin: germline.
Comment: Variant summary: ZBTB20 c.1365C>G (p.Ser455Arg) results in a non-conservative amino acid change in the encoded protein sequence. Algorithms developed to predict the effect of missense changes on protein structure and function are either unavailable or do not agree on the potential impact of this missense change. The variant allele was found at a frequency of 4.8e-05 in 251420 control chromosomes. This frequency is not significantly higher than estimated for disease-causing variants in ZBTB20, allowing no conclusion about variant significance. To our knowledge, no occurrence of c.1365C>G in individuals affected with ZBTB20-related conditions and no experimental evidence demonstrating its impact on protein function have been reported. ClinVar contains an entry for this variant (Variation ID: 3472128). Based on the evidence outlined above, the variant was classified as uncertain significance.

Ambry Genetics
Classification: Likely benign for Inborn genetic diseases. Last evaluated: 2024-09-08. Review status: criteria provided, single submitter. Criteria: Ambry Variant Classification Scheme 2023. Collection method: clinical testing. Allele origin: germline.